The following is an entry in ClinVar:

NM_025237.3(SOST):c.*222A>G

Gene: SOST (sclerostin; minus strand). Cytogenetic location: 17q21.31.
Variant type: single nucleotide variant.
Coding change: c.*222A>G on transcript NM_025237.3 (MANE Select); 222 bases downstream of the stop codon, A replaced by G.
Molecular consequence: 3 prime UTR variant.
Genome position (GRCh38, 1-based): chr17:43,755,120, T>C on the plus strand (A>G on the coding strand, the complement: SOST is on the minus strand). VCF-style: chr17-43755120-T-C. GRCh37 (hg19) VCF-style: chr17-41832488-T-C.
Identifiers: ClinVar variation 892297 (VCV000892297.4), dbSNP rs544576964, ClinGen allele CA290856608.
Genomic context (GRCh38, chr17:43,755,120, plus strand): 5'-GGGACCAGCAAAGGTAGGCGGCCCCAGAGGCGGGGCTGCGTGGCTCAGTGTCTGTGACTC[T>C]CAATTCCCTCCCCTGCCCCGTGGGACCCCTCAGCTGGCGGGCTGAGGGGGGCCTTGCCGG-3'

ClinVar aggregate classification (germline): Likely benign (1 of 4 stars; one submission).

Conditions:
Sclerosteosis 1 (SOST1). Also called: CORTICAL HYPEROSTOSIS WITH SYNDACTYLY. Identifiers: Orphanet 3152, MedGen C4551483, MONDO:0010016, OMIM 269500.

Allele frequency attached by ClinVar (database versions not stated): gnomAD exomes 0.00025; gnomAD 0.00323 and 0.00346; 1000 Genomes Project 0.00339; TOPMed 0.00379; 1000 Genomes Project 30x 0.00437.

Submission:

Illumina Laboratory Services, Illumina
Classification: Likely benign for Sclerosteosis 1. Last evaluated: 2018-01-13. Review status: criteria provided, single submitter. Criteria: ICSL Variant Classification Criteria 13 December 2019. Collection method: clinical testing. Allele origin: germline.
Comment: This variant was observed in the ICSL laboratory as part of a predisposition screen in an ostensibly healthy population. It had not been previously curated by ICSL or reported in the Human Gene Mutation Database (HGMD: prior to June 1st, 2018), and was therefore a candidate for classification through an automated scoring system. Utilizing variant allele frequency, disease prevalence and penetrance estimates, and inheritance mode, an automated score was calculated to assess if this variant is too frequent to cause the disease. Based on the score and internal cut-off values, a variant classified as likely benign is not then subjected to further curation. The score for this variant resulted in a classification of likely benign for this disease.